The following is an entry in ClinVar:

NM_002941.4(ROBO1):c.3491G>T (p.Gly1164Val)

Gene: ROBO1 (roundabout guidance receptor 1; minus strand). Cytogenetic location: 3p12.3.
Variant type: single nucleotide variant.
Coding change: c.3491G>T on transcript NM_002941.4 (MANE Select); coding-DNA position 3491, G replaced by T.
Protein change: p.Gly1164Val; replaces glycine 1164 with valine.
Molecular consequence: missense variant.
Genome position (GRCh38, 1-based): chr3:78,631,296, C>A on the plus strand (G>T on the coding strand, the complement: ROBO1 is on the minus strand). VCF-style: chr3-78631296-C-A. GRCh37 (hg19) VCF-style: chr3-78680446-C-A.
Other names: c.3191G>T, p.Gly1064Val (NM_001145845.2); c.3356G>T, p.Gly1119Val (NM_133631.4); short protein forms G1064V, G1119V, G1164V.
Identifiers: ClinVar variation 3384499 (VCV003384499.1).

ClinVar aggregate classification (germline): Uncertain significance (1 of 4 stars; one submission).

gnomAD v4.1: 1 of 1,612,794 alleles (0.000062%); highest among the groups gnomAD compares: Non-Finnish European, 0.000085%; no homozygotes.

Submission:

GeneDx
Classification: Uncertain significance. Last evaluated: 2024-05-30. Review status: criteria provided, single submitter. Criteria: GeneDx Variant Classification Process June 2021. Collection method: clinical testing. Allele origin: germline. Affected: yes.
Comment: Not observed at significant frequency in large population cohorts (gnomAD); In silico analysis supports that this missense variant has a deleterious effect on protein structure/function; Has not been previously published as pathogenic or benign to our knowledge